The following is an entry in ClinVar:

NM_052945.4(TNFRSF13C):c.512C>G (p.Thr171Ser)

Gene: TNFRSF13C (TNF receptor superfamily member 13C; minus strand). Cytogenetic location: 22q13.2.
Variant type: single nucleotide variant.
Coding change: c.512C>G on transcript NM_052945.4 (MANE Select); coding-DNA position 512, C replaced by G.
Protein change: p.Thr171Ser; replaces threonine 171 with serine.
Molecular consequence: missense variant.
Genome position (GRCh38, 1-based): chr22:41,925,410, G>C on the plus strand (C>G on the coding strand, the complement: TNFRSF13C is on the minus strand). VCF-style: chr22-41925410-G-C. GRCh37 (hg19) VCF-style: chr22-42321414-G-C.
Other names: short protein forms T171S.
Identifiers: ClinVar variation 2000549 (VCV002000549.5), dbSNP rs565521242, ClinGen allele CA10262422.

ClinVar aggregate classification (germline): Uncertain significance. Review status: criteria provided, multiple submitters, no conflicts (2 of 4 stars). 2 submissions from 2 submitters: Uncertain significance (2). Last evaluated 2024-01-24.

Conditions:
Immunodeficiency, common variable, 4. Also called: ANTIBODY DEFICIENCY DUE TO BAFFR DEFECT. Identifiers: Orphanet 1572, Orphanet 696925, MedGen C3150739, MONDO:0013284, OMIM 613494.

Allele frequency attached by ClinVar (database versions not stated): gnomAD 0.00003; gnomAD exomes below 0.00001; TOPMed below 0.00001; ExAC 0.00001; 1000 Genomes Project 30x 0.00016; 1000 Genomes Project 0.00020.
gnomAD v4.1: 8 of 1,610,050 alleles (0.0005%); highest among the groups gnomAD compares: South Asian, 0.0077%; no homozygotes.

Submissions (2):

Ambry Genetics
Classification: Uncertain significance. Last evaluated: 2024-01-24. Review status: criteria provided, single submitter. Criteria: Ambry Variant Classification Scheme 2023. Collection method: clinical testing. Allele origin: germline.

Labcorp Genetics (formerly Invitae), Labcorp
Classification: Uncertain significance for Immunodeficiency, common variable, 4. Last evaluated: 2022-08-19. Review status: criteria provided, single submitter. Criteria: Invitae Variant Classification Sherloc (09022015). Collection method: clinical testing. Allele origin: germline.
Comment: In summary, the available evidence is currently insufficient to determine the role of this variant in disease. Therefore, it has been classified as a Variant of Uncertain Significance. Algorithms developed to predict the effect of missense changes on protein structure and function (SIFT, PolyPhen-2, Align-GVGD) all suggest that this variant is likely to be disruptive. This variant has not been reported in the literature in individuals affected with TNFRSF13C-related conditions. This variant is present in population databases (rs565521242, gnomAD 0.01%). This sequence change replaces threonine, which is neutral and polar, with serine, which is neutral and polar, at codon 171 of the TNFRSF13C protein (p.Thr171Ser).